The following is an entry in ClinVar:

ClinVar aggregate classification (germline): Benign (1 of 4 stars; one submission).

Conditions:
Neuroblastoma (NB). Identifiers: Orphanet 635, MedGen C0027819, MeSH D009447, MONDO:0005072, HP:0003006.

Allele frequency attached by ClinVar (database versions not stated): gnomAD 0.00535 and 0.00646; TOPMed 0.00543; gnomAD exomes 0.00763; 1000 Genomes Project 0.00919; 1000 Genomes Project 30x 0.00921.
gnomAD v4.1: 1,576 of 229,334 alleles (0.69%); highest among the groups gnomAD compares: South Asian, 3.4%; 11 homozygotes.

Submission:

Illumina Laboratory Services, Illumina
Classification: Benign for Neuroblastoma. Last evaluated: 2018-01-13. Review status: criteria provided, single submitter. Criteria: ICSL Variant Classification Criteria 13 December 2019. Collection method: clinical testing. Allele origin: germline.
Comment: This variant was observed in the ICSL laboratory as part of a predisposition screen in an ostensibly healthy population. It had not been previously curated by ICSL or reported in the Human Gene Mutation Database (HGMD: prior to June 1st, 2018), and was therefore a candidate for classification through an automated scoring system. Utilizing variant allele frequency, disease prevalence and penetrance estimates, and inheritance mode, an automated score was calculated to assess if this variant is too frequent to cause the disease. Based on the score and internal cut-off values, a variant classified as benign is not then subjected to further curation. The score for this variant resulted in a classification of benign for this disease.

NM_001365951.3(KIF1B):c.*3341C>T

Gene: KIF1B (kinesin family member 1B; plus strand). Cytogenetic location: 1p36.22.
Variant type: single nucleotide variant.
Coding change: c.*3341C>T on transcript NM_001365951.3 (MANE Select); 3341 bases downstream of the stop codon, C replaced by T.
Molecular consequence: 3 prime UTR variant.
Genome position (GRCh38, 1-based): chr1:10,379,928, C>T. VCF-style: chr1-10379928-C-T. GRCh37 (hg19) VCF-style: chr1-10439986-C-T.
Other names: c.*3341C>T (NM_001365952.1, NM_015074.3).
Identifiers: ClinVar variation 291642 (VCV000291642.5), dbSNP rs139210251, ClinGen allele CA10607312.